The following is an entry in ClinVar:

ClinVar aggregate classification (germline): Likely pathogenic (1 of 4 stars; one submission).

Conditions:
Spondylocostal dysostosis 5 (SCDO5). Also called: SCOLIOSIS, CONGENITAL, WITH OR WITHOUT RIB ANOMALIES. Identifiers: MedGen C4083048, MONDO:0007389, OMIM 122600.

Submission:

Molecular Genetics Department, Kulakov National Medical Research Center for Obstetrics, Gynecology and Perinatology
Classification: Likely pathogenic for Spondylocostal dysostosis 5. Review status: criteria provided, single submitter. Criteria: ACMG Guidelines, 2015. Collection method: clinical testing. Allele origin: germline. Affected: yes.
Comment: A previously undescribed nucleotide variant creates a p.Ter437ArgextTer81 in the TBX6 gene. Loss-of-function variants are reported in patients with Spondylocostal dysostosis 5, 122600. Another heterozygous variant causing stop-loss (c.1311A>T) was previously described in familial Spondylocostal dysostosis (OMIM: 122600, Spondylocostal dysostosis 5) [Sparrow et al., 2013, PMID: 23335591].The variant is not present in population database (gnomAD no frequency). In summary, the currently available evidence indicates that the variant is pathogenic, but additional data are needed to prove that conclusively. Therefore, this variant has been classified as likely pathogenic.

NM_004608.4(TBX6):c.1309T>C (p.Ter437Arg)

Gene: TBX6 (T-box transcription factor 6; minus strand). Cytogenetic location: 16p11.2.
Variant type: single nucleotide variant.
Coding change: c.1309T>C on transcript NM_004608.4 (MANE Select); coding-DNA position 1309, T replaced by C.
Protein change: p.Ter437Arg.
Molecular consequence: stop lost.
Genome position (GRCh38, 1-based): chr16:30,086,227, A>G on the plus strand (T>C on the coding strand, the complement: TBX6 is on the minus strand). VCF-style: chr16-30086227-A-G. GRCh37 (hg19) VCF-style: chr16-30097548-A-G.
Identifiers: ClinVar variation 3062294 (VCV003062294.1), dbSNP rs2543659119, ClinGen allele CA395511956.
Genomic context (GRCh38, chr16:30,086,227, plus strand): 5'-AGGGCTGGGGGAAGGGAGCGGGAGGTTTGTGATGGAGGCAGAGGGGCCCAGCAGTGGTTC[A>G]GTACATGGGTTTGGAGCCCACATCCAGATAGCCCCCAGGCGCGGTGTATGGTAGAGGGAA-3'